The following is an entry in ClinVar:

NM_007255.3(B4GALT7):c.333C>T (p.Phe111=)

Gene: B4GALT7 (beta-1,4-galactosyltransferase 7; plus strand). Cytogenetic location: 5q35.3.
Variant type: single nucleotide variant.
Coding change: c.333C>T on transcript NM_007255.3 (MANE Select); coding-DNA position 333, C replaced by T.
Protein change: p.Phe111=; no amino-acid change (phenylalanine 111 retained).
Molecular consequence: synonymous variant.
Genome position (GRCh38, 1-based): chr5:177,604,461, C>T. VCF-style: chr5-177604461-C-T. GRCh37 (hg19) VCF-style: chr5-177031462-C-T.
Identifiers: ClinVar variation 682437 (VCV000682437.1), dbSNP rs750271941, ClinGen allele CA132892238.

ClinVar aggregate classification (germline): Likely benign (1 of 4 stars; one submission).

Allele frequency attached by ClinVar (database versions not stated): gnomAD exomes below 0.00001.

Submission:

GeneDx
Classification: Likely benign. Last evaluated: 2018-05-01. Review status: criteria provided, single submitter. Criteria: GeneDx Variant Classification (06012015). Collection method: clinical testing. Allele origin: germline. Affected: yes.
Comment: This variant is considered likely benign or benign based on one or more of the following criteria: it is a conservative change, it occurs at a poorly conserved position in the protein, it is predicted to be benign by multiple in silico algorithms, and/or has population frequency not consistent with disease.